The following is an entry in ClinVar:

NM_006088.6(TUBB4B):c.76G>C (p.Asp26His)

Gene: TUBB4B (tubulin beta 4B class IVb; plus strand). Cytogenetic location: 9q34.3.
Variant type: single nucleotide variant.
Coding change: c.76G>C on transcript NM_006088.6 (MANE Select); coding-DNA position 76, G replaced by C.
Protein change: p.Asp26His; replaces aspartic acid 26 with histidine.
Molecular consequence: missense variant.
Genome position (GRCh38, 1-based): chr9:137,241,739, G>C. VCF-style: chr9-137241739-G-C. GRCh37 (hg19) VCF-style: chr9-140136191-G-C.
Other names: short protein forms D26H.
Identifiers: ClinVar variation 1488406 (VCV001488406.6), dbSNP rs2131433122, ClinGen allele CA375747267.
Genomic context (GRCh38, chr9:137,241,739, plus strand): 5'-ACTCAGCCCCGGCCCGCCCGGGCCCGCCCGCGTCCCTTGTAGTTTTGGGAGGTGATCAGC[G>C]ATGAGCACGGCATCGACCCCACGGGCACCTACCACGGGGACAGCGACCTGCAGCTGGAAC-3'
Protein context (NP_006079.1, residues 16-36): IGAKFWEVIS[Asp26His]EHGIDPTGTY

ClinVar aggregate classification (germline): Likely pathogenic (1 of 4 stars; one submission).

Submission:

Labcorp Genetics (formerly Invitae), Labcorp
Classification: Likely pathogenic. Last evaluated: 2022-03-09. Review status: criteria provided, single submitter. Criteria: Invitae Variant Classification Sherloc (09022015). Collection method: clinical testing. Allele origin: germline.
Comment: In summary, the currently available evidence indicates that the variant is pathogenic, but additional data are needed to prove that conclusively. Therefore, this variant has been classified as Likely Pathogenic. Algorithms developed to predict the effect of missense changes on protein structure and function (SIFT, PolyPhen-2, Align-GVGD) all suggest that this variant is likely to be disruptive. This missense change has been observed in individual(s) with clinical features of TUBB4B-related conditions (Invitae). In at least one individual the variant was observed to be de novo. This variant is not present in population databases (gnomAD no frequency). This sequence change replaces aspartic acid, which is acidic and polar, with histidine, which is basic and polar, at codon 26 of the TUBB4B protein (p.Asp26His).